The following is an entry in ClinVar:

ClinVar aggregate classification (germline): Uncertain significance (1 of 4 stars; one submission).

Allele frequency attached by ClinVar (database versions not stated): 1000 Genomes Project 0.00020; 1000 Genomes Project 30x 0.00031; TOPMed 0.00009; gnomAD 0.00012 and 0.00013.
gnomAD v4.1: 194 of 1,611,920 alleles (0.012%); highest among the groups gnomAD compares: Non-Finnish European, 0.013%; 2 homozygotes.

Submission:

Labcorp Genetics (formerly Invitae), Labcorp
Classification: Uncertain significance. Last evaluated: 2023-08-30. Review status: criteria provided, single submitter. Criteria: Invitae Variant Classification Sherloc (09022015). Collection method: clinical testing. Allele origin: germline.
Comment: An algorithm developed to predict the effect of missense changes on protein structure and function (PolyPhen-2) suggests that this variant is likely to be tolerated. ClinVar contains an entry for this variant (Variation ID: 1498966). This variant has not been reported in the literature in individuals affected with CTSB-related conditions. This variant is present in population databases (rs117636256, gnomAD 0.02%), including at least one homozygous and/or hemizygous individual. This sequence change replaces valine, which is neutral and non-polar, with isoleucine, which is neutral and non-polar, at codon 232 of the CTSB protein (p.Val232Ile). In summary, the available evidence is currently insufficient to determine the role of this variant in disease. Therefore, it has been classified as a Variant of Uncertain Significance.

NM_001908.5(CTSB):c.694G>A (p.Val232Ile)

Gene: CTSB (cathepsin B). Cytogenetic location: 8p23.1.
Variant type: single nucleotide variant.
Coding change: c.694G>A on transcript NM_001908.5 (MANE Select); coding-DNA position 694, G replaced by A.
Protein change: p.Val232Ile; replaces valine 232 with isoleucine.
Molecular consequence: missense variant.
Genome position (GRCh38, 1-based): chr8:11,847,151, C>T on the plus strand (G>A on the coding strand, the complement: CTSB is on the minus strand). VCF-style: chr8-11847151-C-T. GRCh37 (hg19) VCF-style: chr8-11704660-C-T.
Other names: c.322G>A, p.Val108Ile (NM_001317237.2); c.694G>A, p.Val232Ile (NM_001384714.1, NM_001384723.1, NM_001384724.1 and 8 more transcripts); short protein forms V108I, V232I.
Identifiers: ClinVar variation 1498966 (VCV001498966.6), dbSNP rs117636256, ClinGen allele CA4632592.
Genomic context (GRCh38, chr8:11,847,151, plus strand): 5'-CTCCCTCCACGGGGCCGTTTTTGTAGATCTCGGCCATGATGTCCTTCTCGCTATTGGAGA[C>T]GCTGTAGGAATTGTATCCTGGAAAATGAACCGAGCTCGGGGTTGGGGAGGGCAGTGACCG-3'
Protein context (NP_001899.1, residues 222-242): DKHYGYNSYS[Val232Ile]SNSEKDIMAE